The following is an entry in ClinVar:

NM_052867.4(NALCN):c.1499T>C (p.Phe500Ser)

Gene: NALCN (sodium leak channel, non-selective; minus strand). Cytogenetic location: 13q33.1.
Variant type: single nucleotide variant.
Coding change: c.1499T>C on transcript NM_052867.4 (MANE Select); coding-DNA position 1499, T replaced by C.
Protein change: p.Phe500Ser; replaces phenylalanine 500 with serine.
Molecular consequence: missense variant.
Genome position (GRCh38, 1-based): chr13:101,229,520, A>G on the plus strand (T>C on the coding strand, the complement: NALCN is on the minus strand). VCF-style: chr13-101229520-A-G. GRCh37 (hg19) VCF-style: chr13-101881871-A-G.
Other names: c.1499T>C, p.Phe500Ser (NM_001350749.2, NM_001350748.2); c.1412T>C, p.Phe471Ser (NM_001350750.2, NM_001350751.2); short protein forms F471S, F500S.
Identifiers: ClinVar variation 4860728 (VCV004860728.1).
Genomic context (GRCh38, chr13:101,229,520, plus strand): 5'-ATAACAATCAAGAGGCTGGCAGTAAATACAACCAAACTCCCAAGCTTTTTTCCAGGACCA[A>G]ATATCTTGTACACAAAGTCTTCTAATGCAGGTGAAATCTTAATCAGCCGAACTACTCGGA-3'
Protein context (NP_443099.1, residues 490-510): PALEDFVYKI[Phe500Ser]GPGKKLGSLV

ClinVar aggregate classification (germline): Uncertain significance (1 of 4 stars; one submission).

Conditions:
Inborn genetic diseases. Identifiers: MedGen C0950123, MeSH D030342.

Submission:

Ambry Genetics
Classification: Uncertain significance for Inborn genetic diseases. Last evaluated: 2026-04-20. Review status: criteria provided, single submitter. Criteria: Ambry Variant Classification Scheme 2023. Collection method: clinical testing. Allele origin: germline.
Comment: The c.1499T>C (p.F500S) alteration is located in exon 13 (coding exon 12) of the NALCN gene. This alteration results from a T to C substitution at nucleotide position 1499, causing the phenylalanine (F) at amino acid position 500 to be replaced by a serine (S). Based on data from gnomAD, the C allele has an overall frequency of 0.001% (2/280642) total alleles studied. The highest observed frequency was 0.008% (2/24858) of African alleles. Based on insufficient or conflicting evidence, the clinical significance of this alteration remains unclear.